The following is an entry in ClinVar:

NM_005688.4(ABCC5):c.591+2369C>T

Gene: ABCC5 (ATP binding cassette subfamily C member 5; minus strand). Cytogenetic location: 3q27.1.
Variant type: single nucleotide variant.
Coding change: c.591+2369C>T on transcript NM_005688.4 (MANE Select); 2369 bases into the intron after coding-DNA position 591, C replaced by T.
Molecular consequence: intron variant. On other transcripts: non-coding transcript variant (1).
Genome position (GRCh38, 1-based): chr3:183,985,401, G>A on the plus strand (C>T on the coding strand, the complement: ABCC5 is on the minus strand). VCF-style: chr3-183985401-G-A. GRCh37 (hg19) VCF-style: chr3-183703189-G-A.
Other names: c.-941+2369C>T (NM_001320032.2); c.592-23C>T (NM_001023587.3).
Identifiers: ClinVar variation 2654303 (VCV002654303.24), dbSNP rs76295081, ClinGen allele CA2724774.
Genomic context (GRCh38, chr3:183,985,401, plus strand): 5'-TCTCATTCTGACCGCAGAATACAGCCATCCTGAAAATTCTAAAGAACAGCTTCTGTCACT[G>A]GTTCCACTACAGAGAGACTCCCCCCAAATCCAGATCCTGACAGCACCAAGCAAGCTGCAG-3'

ClinVar aggregate classification (germline): Benign (1 of 4 stars; one submission).

Allele frequency attached by ClinVar (database versions not stated): 1000 Genomes Project 0.00379; 1000 Genomes Project 30x 0.00390; TOPMed 0.00720; gnomAD 0.00743; ExAC 0.00855; ESP Exome Variant Server 0.00877; gnomAD exomes 0.01148.
gnomAD v4.1: 17,584 of 1,602,474 alleles (1.1%); highest among the groups gnomAD compares: Non-Finnish European, 1.4%; 118 homozygotes.

Submission:

CeGaT Center for Human Genetics Tuebingen
Classification: Benign. Last evaluated: 2023-01-01. Review status: criteria provided, single submitter. Criteria: CeGaT Center For Human Genetics Tuebingen Variant Classification Criteria Version 2. Collection method: clinical testing. Allele origin: germline. Affected: yes. Observed: 1 variant allele.
Comment: ABCC5: BS1, BS2